The following is an entry in ClinVar:

ClinVar aggregate classification (germline): Uncertain significance (1 of 4 stars; one submission).

Allele frequency attached by ClinVar (database versions not stated): TOPMed 0.00001.

Submission:

Labcorp Genetics (formerly Invitae), Labcorp
Classification: Uncertain significance. Last evaluated: 2024-04-15. Review status: criteria provided, single submitter. Criteria: Invitae Variant Classification Sherloc (09022015). Collection method: clinical testing. Allele origin: germline.
Comment: This sequence change replaces methionine, which is neutral and non-polar, with threonine, which is neutral and polar, at codon 290 of the SON protein (p.Met290Thr). This variant is present in population databases (no rsID available, gnomAD 0.009%). This variant has not been reported in the literature in individuals affected with SON-related conditions. Algorithms developed to predict the effect of missense changes on protein structure and function output the following: SIFT: "Not Available"; PolyPhen-2: "Benign"; Align-GVGD: "Not Available". The threonine amino acid residue is found in multiple mammalian species, which suggests that this missense change does not adversely affect protein function. In summary, the available evidence is currently insufficient to determine the role of this variant in disease. Therefore, it has been classified as a Variant of Uncertain Significance.

NM_138927.4(SON):c.869T>C (p.Met290Thr)

Gene: SON (SON DNA and RNA binding protein; plus strand). Cytogenetic location: 21q22.11.
Variant type: single nucleotide variant.
Coding change: c.869T>C on transcript NM_138927.4 (MANE Select); coding-DNA position 869, T replaced by C.
Protein change: p.Met290Thr; replaces methionine 290 with threonine.
Molecular consequence: missense variant. On other transcripts: non-coding transcript variant (1), intron variant (1).
Genome position (GRCh38, 1-based): chr21:33,550,100, T>C. VCF-style: chr21-33550100-T-C. GRCh37 (hg19) VCF-style: chr21-34922406-T-C.
Other names: c.869T>C, p.Met290Thr (NM_001291411.2, NM_001412133.1, NM_032195.3 and 2 more transcripts); c.244+3721T>C (NM_001291412.3); short protein forms M290T.
Identifiers: ClinVar variation 2993003 (VCV002993003.3), dbSNP rs1287084217, ClinGen allele CA410152380.